The following is an entry in ClinVar:

ClinVar aggregate classification (germline): Benign (0 of 4 stars; one submission).

Conditions:
LDHD-related disorder. Also called: LDHD-related condition.

Allele frequency attached by ClinVar (database versions not stated): gnomAD exomes 0.00088; ExAC 0.00812; gnomAD 0.00907; 1000 Genomes Project 0.00919; 1000 Genomes Project 30x 0.01046.
gnomAD v4.1: 2,631 of 1,514,492 alleles (0.17%); highest among the groups gnomAD compares: African/African-American, 3.1%; 45 homozygotes.

Submission:

PreventionGenetics, part of Exact Sciences
Classification: Benign for LDHD-related condition. Last evaluated: 2020-01-03. Review status: no assertion criteria provided. Collection method: clinical testing. Allele origin: germline.
Comment: This variant is classified as benign based on ACMG/AMP sequence variant interpretation guidelines (Richards et al. 2015 PMID: 25741868, with internal and published modifications).

NM_194436.3(LDHD):c.629+6C>T

Gene: LDHD (lactate dehydrogenase D; minus strand). Cytogenetic location: 16q23.1.
Variant type: single nucleotide variant.
Coding change: c.629+6C>T on transcript NM_194436.3 (MANE Select); 6 bases into the intron after coding-DNA position 629, C replaced by T.
Molecular consequence: intron variant.
Genome position (GRCh38, 1-based): chr16:75,114,520, G>A on the plus strand (C>T on the coding strand, the complement: LDHD is on the minus strand). VCF-style: chr16-75114520-G-A. GRCh37 (hg19) VCF-style: chr16-75148418-G-A.
Other names: c.629+6C>T (NM_153486.4).
Identifiers: ClinVar variation 3057222 (VCV003057222.2), dbSNP rs116249169, ClinGen allele CA8172502.